The following is an entry in ClinVar:

ClinVar aggregate classification (germline): Conflicting classifications of pathogenicity. Review status: criteria provided, conflicting classifications (1 of 4 stars). 2 submissions from 2 submitters: Uncertain significance (1); Likely benign (1). Last evaluated 2022-06-13.

Conditions:
Congenital sideroblastic anemia-B-cell immunodeficiency-periodic fever-developmental delay syndrome. Also called: Sideroblastic anemia with B-cell immunodeficiency, periodic fevers, and developmental delay. Identifiers: Orphanet 369861, MedGen C4015172, MONDO:0014487, OMIM 616084.

Allele frequency attached by ClinVar (database versions not stated): TOPMed below 0.00001.
gnomAD v4.1: 9 of 1,581,664 alleles (0.00057%); highest among the groups gnomAD compares: Non-Finnish European, 0.00077%; no homozygotes.

Submissions (2):

Labcorp Genetics (formerly Invitae), Labcorp
Classification: Uncertain significance for Congenital sideroblastic anemia-B-cell immunodeficiency-periodic fever-developmental delay syndrome. Last evaluated: 2022-06-13. Review status: criteria provided, single submitter. Criteria: Invitae Variant Classification Sherloc (09022015). Collection method: clinical testing. Allele origin: germline.
Comment: This sequence change falls in intron 6 of the TRNT1 gene. It does not directly change the encoded amino acid sequence of the TRNT1 protein. It affects a nucleotide within the consensus splice site. This variant is not present in population databases (gnomAD no frequency). This variant has not been reported in the literature in individuals affected with TRNT1-related conditions. Variants that disrupt the consensus splice site are a relatively common cause of aberrant splicing (PMID: 17576681, 9536098). Algorithms developed to predict the effect of sequence changes on RNA splicing suggest that this variant is not likely to affect RNA splicing. In summary, the available evidence is currently insufficient to determine the role of this variant in disease. Therefore, it has been classified as a Variant of Uncertain Significance.

Blueprint Genetics
Classification: Likely benign. Last evaluated: 2022-04-06. Review status: criteria provided, single submitter. Criteria: ACMG Guidelines, 2015. Collection method: clinical testing. Allele origin: germline.

Literature cited by the submitters: PubMed 17576681 (cited by Labcorp Genetics (formerly Invitae), Labcorp); PubMed 9536098 (cited by Labcorp Genetics (formerly Invitae), Labcorp).

NM_182916.3(TRNT1):c.802+6A>G

Gene: TRNT1 (tRNA nucleotidyl transferase 1; plus strand). Cytogenetic location: 3p26.2.
Variant type: single nucleotide variant.
Coding change: c.802+6A>G on transcript NM_182916.3 (MANE Select); 6 bases into the intron after coding-DNA position 802, A replaced by G.
Molecular consequence: intron variant.
Genome position (GRCh38, 1-based): chr3:3,146,629, A>G. VCF-style: chr3-3146629-A-G. GRCh37 (hg19) VCF-style: chr3-3188313-A-G.
Other names: c.802+6A>G (NM_001367321.1, NM_001367323.1, NM_001367322.1); c.742+66A>G (NM_001302946.2).
Identifiers: ClinVar variation 1437036 (VCV001437036.4), dbSNP rs1706039327, ClinGen allele CA1341469644.